The following is an entry in ClinVar:

NM_001440.4(EXTL3):c.720A>G (p.Ile240Met)

Gene: EXTL3 (exostosin like glycosyltransferase 3; plus strand). Cytogenetic location: 8p21.1.
Variant type: single nucleotide variant.
Coding change: c.720A>G on transcript NM_001440.4 (MANE Select); coding-DNA position 720, A replaced by G.
Protein change: p.Ile240Met; replaces isoleucine 240 with methionine.
Molecular consequence: missense variant.
Genome position (GRCh38, 1-based): chr8:28,716,779, A>G. VCF-style: chr8-28716779-A-G. GRCh37 (hg19) VCF-style: chr8-28574296-A-G.
Other names: short protein forms I240M.
Identifiers: ClinVar variation 1351034 (VCV001351034.8), dbSNP rs2130737332, ClinGen allele CA370857216.

ClinVar aggregate classification (germline): Uncertain significance (1 of 4 stars; one submission).

Submission:

Labcorp Genetics (formerly Invitae), Labcorp
Classification: Uncertain significance. Last evaluated: 2022-02-10. Review status: criteria provided, single submitter. Criteria: Invitae Variant Classification Sherloc (09022015). Collection method: clinical testing. Allele origin: germline.
Comment: In summary, the available evidence is currently insufficient to determine the role of this variant in disease. Therefore, it has been classified as a Variant of Uncertain Significance. Algorithms developed to predict the effect of missense changes on protein structure and function output the following: SIFT: "Tolerated"; PolyPhen-2: "Benign"; Align-GVGD: "Class C0". The methionine amino acid residue is found in multiple mammalian species, which suggests that this missense change does not adversely affect protein function. This variant has not been reported in the literature in individuals affected with EXTL3-related conditions. This variant is not present in population databases (gnomAD no frequency). This sequence change replaces isoleucine, which is neutral and non-polar, with methionine, which is neutral and non-polar, at codon 240 of the EXTL3 protein (p.Ile240Met).